The following is an entry in ClinVar:

ClinVar aggregate classification (germline): Uncertain significance (1 of 4 stars; one submission).

Submission:

Women's Health and Genetics/Laboratory Corporation of America, LabCorp
Classification: Uncertain significance. Last evaluated: 2025-01-23. Review status: criteria provided, single submitter. Criteria: LabCorp Variant Classification Summary - May 2015. Collection method: clinical testing. Allele origin: germline.
Comment: Variant summary: OPA1 c.2614-10_2614-7delinsT alters a non-conserved nucleotide located close to a canonical splice site and therefore could affect mRNA splicing, leading to a significantly altered protein sequence. Consensus agreement among computation tools predict no significant impact on normal splicing. However, these predictions have yet to be confirmed by functional studies. The variant was absent in 251228 control chromosomes (gnomAD). The available data on variant occurrences in the general population are insufficient to allow any conclusion about variant significance. To our knowledge, no occurrence of c.2614-10_2614-7delinsT in individuals affected with OPA1-related disorders and no experimental evidence demonstrating its impact on protein function have been reported. No submitters have cited clinical-significance assessments for this variant to ClinVar. Based on the evidence outlined above, the variant was classified as uncertain significance.

NM_130837.3(OPA1):c.2779-10_2779-7delinsT

Gene: OPA1 (OPA1 mitochondrial dynamin like GTPase; plus strand). Cytogenetic location: 3q29.
Variant type: Indel.
Coding change: c.2779-10_2779-7delinsT on transcript NM_130837.3 (MANE Select); 10 bases into the intron before coding-DNA position 2779 through 7 bases into the intron before coding-DNA position 2779, AATA replaced by T.
Molecular consequence: intron variant.
Genome position (GRCh38, 1-based): chr3:193,666,286-193,666,289, AATA replaced by T. VCF-style: chr3-193666286-AATA-T. GRCh37 (hg19) VCF-style: chr3-193384075-AATA-T.
Other names: c.2242-10_2242-7delinsT (NM_001354664.2); c.2245-10_2245-7delinsT (NM_001354663.2); c.2668-10_2668-7delinsT (NM_130834.3); c.2725-10_2725-7delinsT (NM_130836.3); c.2614-10_2614-7delinsT (NM_015560.3); c.2671-10_2671-7delinsT (NM_130835.3); c.2560-10_2560-7delinsT (NM_130832.3); c.2617-10_2617-7delinsT (NM_130833.3); and 1 more.
Identifiers: ClinVar variation 3769463 (VCV003769463.2).